The following is an entry in ClinVar:

NM_032043.3(BRIP1):c.266C>G (p.Ala89Gly)

Gene: BRIP1 (BRCA1 interacting DNA helicase 1; minus strand). Cytogenetic location: 17q23.2.
Variant type: single nucleotide variant.
Coding change: c.266C>G on transcript NM_032043.3 (MANE Select); coding-DNA position 266, C replaced by G.
Protein change: p.Ala89Gly; replaces alanine 89 with glycine.
Molecular consequence: missense variant.
Genome position (GRCh38, 1-based): chr17:61,857,171, G>C on the plus strand (C>G on the coding strand, the complement: BRIP1 is on the minus strand). VCF-style: chr17-61857171-G-C. GRCh37 (hg19) VCF-style: chr17-59934532-G-C.
Other names: short protein forms A89G.
Identifiers: ClinVar variation 584977 (VCV000584977.6), dbSNP rs1349422972, ClinGen allele CA400485497.

ClinVar aggregate classification (germline): Uncertain significance. Review status: criteria provided, multiple submitters, no conflicts (2 of 4 stars). 2 submissions from 2 submitters: Uncertain significance (2). Last evaluated 2024-10-19.

Conditions:
Familial cancer of breast. Also called: hereditary breast carcinoma; BREAST CANCER, FAMILIAL; Hereditary breast cancer. Identifiers: Orphanet 227535, MedGen C0346153, MONDO:0016419, OMIM 114480. Disease mechanism: loss of function.
Fanconi anemia complementation group J. Also called: BRIP1-Related Fanconi Anemia. Identifiers: Orphanet 84, MedGen C1836860, MONDO:0012187, OMIM 609054.

Allele frequency attached by ClinVar (database versions not stated): TOPMed 0.00001.

Submissions (2):

Labcorp Genetics (formerly Invitae), Labcorp
Classification: Uncertain significance for Familial cancer of breast; Fanconi anemia complementation group J. Last evaluated: 2024-10-19. Review status: criteria provided, single submitter. Criteria: Invitae Variant Classification Sherloc (09022015). Collection method: clinical testing. Allele origin: germline.
Comment: This sequence change replaces alanine, which is neutral and non-polar, with glycine, which is neutral and non-polar, at codon 89 of the BRIP1 protein (p.Ala89Gly). This variant is not present in population databases (gnomAD no frequency). This missense change has been observed in individual(s) with breast cancer (PMID: 35264596). ClinVar contains an entry for this variant (Variation ID: 584977). Invitae Evidence Modeling of protein sequence and biophysical properties (such as structural, functional, and spatial information, amino acid conservation, physicochemical variation, residue mobility, and thermodynamic stability) indicates that this missense variant is not expected to disrupt BRIP1 protein function with a negative predictive value of 95%. In summary, the available evidence is currently insufficient to determine the role of this variant in disease. Therefore, it has been classified as a Variant of Uncertain Significance.

Mendelics
Classification: Uncertain significance for Familial cancer of breast. Last evaluated: 2019-05-28. Review status: criteria provided, single submitter. Criteria: Mendelics Assertion Criteria 2017. Collection method: clinical testing. Allele origin: unknown.

Literature cited by the submitters: PubMed 35264596 (cited by Labcorp Genetics (formerly Invitae), Labcorp).